The following is an entry in ClinVar:

ClinVar aggregate classification (germline): Pathogenic (1 of 4 stars; one submission).

Conditions:
Polycystic kidney disease, adult type (PKD1). Also called: Polycystic Kidney, Autosomal Dominant; POLYCYSTIC KIDNEY DISEASE 1 WITH OR WITHOUT POLYCYSTIC LIVER DISEASE; POLYCYSTIC KIDNEY DISEASE, ADULT, TYPE I; Polycystic Kidney Disease 1, Autosomal Dominant; Polycystic kidney disease 1; Polycystic kidney disease 1, severe. Identifiers: MedGen C3149841, MONDO:0008263, OMIM 173900.

Submission:

Juno Genomics, Hangzhou Juno Genomics, Inc
Classification: Pathogenic for Polycystic kidney disease, adult type. Review status: criteria provided, single submitter. Criteria: ACMG Guidelines, 2015. Collection method: clinical testing. Allele origin: germline. Affected: yes.
Comment: Absent from controls (or at extremely low frequency if recessive) in Genome Aggregation Database, Exome Sequencing Project, 1000 Genomes Project, or Exome Aggregation Consortium.;Null variant in a gene where loss of function (LOF) is a known mechanism of disease.;Patient's phenotype or family history is highly specific for a disease with a single genetic etiology.

NM_001009944.3(PKD1):c.1442_1445dup (p.Gln483fs)

Gene: PKD1 (polycystin 1, transient receptor potential channel interacting; minus strand). Cytogenetic location: 16p13.3.
Variant type: Duplication.
Coding change: c.1442_1445dup on transcript NM_001009944.3 (MANE Select); coding-DNA positions 1442 to 1445, 4 bases duplicated (CGCC; older notation c.1442_1445dupCGCC).
Protein change: p.Gln483fs; shifts the reading frame from glutamine 483.
Molecular consequence: frameshift variant.
Genome position (GRCh38, 1-based): chr16:2,116,994-2,116,997, GGCG duplicated on the plus strand (CGCC on the coding strand, the reverse complement: PKD1 is on the minus strand). VCF-style (leftmost placement, unchanged base first): chr16-2116993-C-CGGCG. GRCh37 (hg19) VCF-style: chr16-2166994-C-CGGCG.
Other names: c.1442_1445dup, p.Gln483fs (NM_000296.4); short protein forms Q483fs.
Identifiers: ClinVar variation 3335886 (VCV003335886.2).